The following is an entry in ClinVar:

ClinVar aggregate classification (germline): Conflicting classifications of pathogenicity. Review status: criteria provided, conflicting classifications (1 of 4 stars). 4 submissions from 4 submitters: Pathogenic (1); Likely pathogenic (1); Uncertain significance (2). Last evaluated 2026-01-21.

Conditions:
Leri-Weill dyschondrosteosis (LWD). Also called: DYSCHONDROSTEOSIS; Leri-Weill Dyschondrosteosis (LWD); Léri-Weill dyschondrosteosis. Identifiers: Orphanet 240, MedGen C0265309, MONDO:0007481, OMIM 127300.
SHOX-related disorder. Also called: SHOX-related condition.

Allele frequency attached by ClinVar (database versions not stated): gnomAD exomes 0.00008; gnomAD 0.00016; TOPMed 0.00019.

Submissions (4):

Women's Health and Genetics/Laboratory Corporation of America, LabCorp
Classification: Uncertain significance. Last evaluated: 2026-01-21. Review status: criteria provided, single submitter. Criteria: LabCorp Variant Classification Summary - May 2015. Collection method: clinical testing. Allele origin: germline.
Comment: Variant summary: SHOX NM_000451.4 c.-435C>A is located in the untranscribed region upstream of the SHOX gene region. This variant, also annotated as SHOX NM_006883.2 c.-432-3C>A, alters a non-conserved nucleotide located close to a canonical splice site (i.e. at the boundary of intron 1 and exon 2 in this transcript), and therefore might affect splicing, leading to a significantly altered protein sequence. Several computational tools predict a significant impact on normal splicing: four predict the variant weakens a 3' acceptor site. At least one publication reported experimental evidence, demonstrating in an in vitro minigene assay that the variant abolished normal splicing (Danzig_2012); however, authors of the study also noted that the SHOX gene might have an alternative promoter within exon 2, which would be unaffected by this acceptor site mutation in intron 1, thus could generate a transcript and a fully functional Shox protein. The SHOX gene is located in the pseudoautosomal region of the X and Y chromosomes, and the variant allele was found at a frequency of 0.00015 in 246,792 control chromosomes (i.e. 36 alleles, all heterozygotes), predominantly at a frequency of 0.0045 within the Ashkenazi Jewish subpopulation in the gnomAD database (v4.1 dataset). Since the expressivity of SHOX deficiency is highly variable (PMID: 21325865), these data indicate that the variant in heterozygous- or in homozygous state maybe associated with Short Stature, but it is unclear if it could contribute to more severe phenotypes. The following publications have been ascertained in the context of this evaluation (PMID: 23426818, 25659810, 34627339). ClinVar contains an entry for this variant (Variation ID: 1683250). Taken together, this variant might be potentially associated with Short Stature phenotype. Based on the evidence outlined above, the variant was classified as VUS-possibly pathogenic.

Blueprint Genetics
Classification: Likely pathogenic for SHOX-related disorders. Last evaluated: 2024-08-07. Review status: criteria provided, single submitter. Criteria: ACMG Guidelines, 2015. Collection method: clinical testing. Allele origin: germline. Affected: yes. Observed: 5 variant alleles.

GeneDx
Classification: Uncertain significance. Last evaluated: 2024-03-25. Review status: criteria provided, single submitter. Criteria: GeneDx Variant Classification Process June 2021. Collection method: clinical testing. Allele origin: germline. Affected: yes.
Comment: In silico analysis supports a deleterious effect on splicing; This variant is associated with the following publications: (PMID: 23426818)

Mendelics
Classification: Pathogenic for Leri-Weill dyschondrosteosis. Last evaluated: 2022-05-04. Review status: criteria provided, single submitter. Criteria: Mendelics Assertion Criteria 2019. Collection method: clinical testing. Allele origin: germline.

Literature cited by the submitters: PubMed 23426818 (cited by Women's Health and Genetics/Laboratory Corporation of America, LabCorp); PubMed 34627339 (cited by Women's Health and Genetics/Laboratory Corporation of America, LabCorp); PubMed 25659810 (cited by Women's Health and Genetics/Laboratory Corporation of America, LabCorp).

NM_006883.2(SHOX):c.-432-3C>A

Gene: SHOX (SHOX homeobox; plus strand). Cytogenetic location: Xp22.33.
Variant type: single nucleotide variant.
Coding change: c.-432-3C>A on transcript NM_006883.2; 3 bases into the intron before 432 bases upstream of the start codon, C replaced by A.
Molecular consequence: intron variant. On other transcripts: genic upstream transcript variant (1).
Genome position (GRCh38, 1-based): chrX:630,463, C>A. VCF-style: chrX-630463-C-A. GRCh37 (hg19) VCF-style: chrX-591198-C-A.
Other names: c.-435C>A (NM_000451.4).
Identifiers: ClinVar variation 1683250 (VCV001683250.12), dbSNP rs1030279647, ClinGen allele CA325619121.